The following is an entry in ClinVar:

ClinVar aggregate classification (germline): Likely pathogenic (1 of 4 stars; one submission).

Conditions:
Early-infantile DEE. Also called: Early infantile epileptic encephalopathy; Ohtahara syndrome; Early infantile epileptic encephalopathy with suppression bursts. Identifiers: Orphanet 1934, MedGen C0393706, MONDO:0800491.

Submission:

Labcorp Genetics (formerly Invitae), Labcorp
Classification: Likely pathogenic for Early-infantile DEE. Last evaluated: 2022-06-01. Review status: criteria provided, single submitter. Criteria: Invitae Variant Classification Sherloc (09022015). Collection method: clinical testing. Allele origin: germline.
Comment: This sequence change affects a splice site in intron 1 of the GNAO1 gene. It is expected to disrupt RNA splicing. Variants that disrupt the donor or acceptor splice site typically lead to a loss of protein function (PMID: 16199547), and loss-of-function variants in GNAO1 are known to be pathogenic (PMID: 28747448). This variant is not present in population databases (gnomAD no frequency). This variant has not been reported in the literature in individuals affected with GNAO1-related conditions. Algorithms developed to predict the effect of sequence changes on RNA splicing suggest that this variant may disrupt the consensus splice site. In summary, the currently available evidence indicates that the variant is pathogenic, but additional data are needed to prove that conclusively. Therefore, this variant has been classified as Likely Pathogenic.

Literature cited by the submitters: PubMed 16199547; PubMed 28747448.

NM_020988.3(GNAO1):c.119-2_119-1del

Gene: GNAO1 (G protein subunit alpha o1; plus strand). Cytogenetic location: 16q13.
Variant type: Deletion.
Coding change: c.119-2_119-1del on transcript NM_020988.3 (MANE Select); the canonical splice acceptor site of the intron before coding-DNA position 119, 2 bases deleted (AG; older notation c.119-2_119-1delAG).
Molecular consequence: splice acceptor variant.
Genome position (GRCh38, 1-based): chr16:56,192,572-56,192,573, AG deleted. VCF-style (leftmost placement, unchanged base first): chr16-56192571-CAG-C. GRCh37 (hg19) VCF-style: chr16-56226483-CAG-C.
Other names: c.119-2_119-1del (NM_138736.3).
Identifiers: ClinVar variation 2121069 (VCV002121069.4), dbSNP rs2506531670, ClinGen allele CA2580091630.